The following is an entry in ClinVar:

NM_022124.6(CDH23):c.8499C>T (p.Arg2833=)

Gene: CDH23 (cadherin related 23; plus strand). Cytogenetic location: 10q22.1.
Variant type: single nucleotide variant.
Coding change: c.8499C>T on transcript NM_022124.6 (MANE Select); coding-DNA position 8499, C replaced by T.
Protein change: p.Arg2833=; no amino-acid change (arginine 2833 retained).
Molecular consequence: synonymous variant.
Genome position (GRCh38, 1-based): chr10:71,807,706, C>T. VCF-style: chr10-71807706-C-T. GRCh37 (hg19) VCF-style: chr10-73567463-C-T.
Other names: c.1779C>T, p.Arg593= (NM_001171933.1, NM_001171934.1).
Identifiers: ClinVar variation 46049 (VCV000046049.16), dbSNP rs397517358, ClinGen allele CA137598.

ClinVar aggregate classification (germline): Conflicting classifications of pathogenicity. Review status: criteria provided, conflicting classifications (1 of 4 stars). 5 submissions from 5 submitters: Uncertain significance (1); Likely benign (3). 1 of the submissions does not count toward it. Last evaluated 2026-09-01.

Conditions:
CDH23-related disorder. Also called: CDH23-related disorders; CDH23-related condition.

Allele frequency attached by ClinVar (database versions not stated): ExAC 0.00006; gnomAD exomes 0.00008 and 0.00010; gnomAD 0.00008 and 0.00009; TOPMed 0.00006.
gnomAD v4.1: 161 of 1,612,388 alleles (0.01%); highest among the groups gnomAD compares: Non-Finnish European, 0.011%; no homozygotes.

Submissions (5):

CeGaT Center for Human Genetics Tuebingen
Classification: Uncertain significance. Last evaluated: 2026-09-01. Review status: criteria provided, single submitter. Criteria: CeGaT Center For Human Genetics Tuebingen Variant Classification Criteria Version 2. Collection method: clinical testing. Allele origin: germline. Affected: yes. Observed: 1 variant allele.
Comment: CDH23: PM2:Supporting

Labcorp Genetics (formerly Invitae), Labcorp
Classification: Likely benign. Last evaluated: 2025-04-13. Review status: criteria provided, single submitter. Criteria: Invitae Variant Classification Sherloc (09022015). Collection method: clinical testing. Allele origin: germline.

Blueprint Genetics
Classification: Likely benign. Last evaluated: 2023-03-31. Review status: criteria provided, single submitter. Criteria: ACMG Guidelines, 2015. Collection method: clinical testing. Allele origin: germline.

Laboratory for Molecular Medicine, Mass General Brigham Personalized Medicine
Classification: Likely benign. Last evaluated: 2013-01-08. Review status: criteria provided, single submitter. Criteria: LMM Criteria. Collection method: clinical testing. Allele origin: germline. Observed: 1 variant allele.
Comment: Arg2833Arg in exon 59 of CDH23: This variant is not expected to have clinical si gnificance because it does not alter an amino acid residue and is not located wi thin the splice consensus sequence.

PreventionGenetics, part of Exact Sciences
Classification: Likely benign for CDH23-related condition. Last evaluated: 2019-05-24. Review status: no assertion criteria provided. Collection method: clinical testing. Allele origin: germline. Not counted in ClinVar's aggregate classification.
Comment: This variant is classified as likely benign based on ACMG/AMP sequence variant interpretation guidelines (Richards et al. 2015 PMID: 25741868, with internal and published modifications).